The following is an entry in ClinVar:

ClinVar aggregate classification (germline): Uncertain significance. Review status: criteria provided, multiple submitters, no conflicts (2 of 4 stars). 2 submissions from 2 submitters: Uncertain significance (2). Last evaluated 2025-08-11.

Allele frequency attached by ClinVar (database versions not stated): ExAC 0.00005.
gnomAD v4.1: 27 of 1,614,130 alleles (0.0017%); highest among the groups gnomAD compares: Non-Finnish European, 0.0019%; no homozygotes.

Submissions (2):

Ambry Genetics
Classification: Uncertain significance. Last evaluated: 2025-08-11. Review status: criteria provided, single submitter. Criteria: Ambry Variant Classification Scheme 2023. Collection method: clinical testing. Allele origin: germline.

Labcorp Genetics (formerly Invitae), Labcorp
Classification: Uncertain significance. Last evaluated: 2025-04-27. Review status: criteria provided, single submitter. Criteria: Invitae Variant Classification Sherloc (09022015). Collection method: clinical testing. Allele origin: germline.
Comment: This sequence change replaces histidine, which is basic and polar, with arginine, which is basic and polar, at codon 704 of the CEP97 protein (p.His704Arg). This variant is present in population databases (rs766616441, gnomAD 0.009%). This variant has not been reported in the literature in individuals affected with CEP97-related conditions. ClinVar contains an entry for this variant (Variation ID: 2175435). Invitae Evidence Modeling of protein sequence and biophysical properties (such as structural, functional, and spatial information, amino acid conservation, physicochemical variation, residue mobility, and thermodynamic stability) indicates that this missense variant is not expected to disrupt CEP97 protein function with a negative predictive value of 80%. In summary, the available evidence is currently insufficient to determine the role of this variant in disease. Therefore, it has been classified as a Variant of Uncertain Significance.

NM_024548.4(CEP97):c.2111A>G (p.His704Arg)

Gene: CEP97 (centrosomal protein 97; plus strand). Cytogenetic location: 3q12.3.
Variant type: single nucleotide variant.
Coding change: c.2111A>G on transcript NM_024548.4 (MANE Select); coding-DNA position 2111, A replaced by G.
Protein change: p.His704Arg; replaces histidine 704 with arginine.
Molecular consequence: missense variant.
Genome position (GRCh38, 1-based): chr3:101,765,064, A>G. VCF-style: chr3-101765064-A-G. GRCh37 (hg19) VCF-style: chr3-101483908-A-G.
Other names: c.1934A>G, p.His645Arg (NM_001303401.2); c.2009A>G, p.His670Arg (NM_001410784.1); c.1832A>G, p.His611Arg (NM_001410785.1); c.2111A>G (NM_024548.2); short protein forms H704R, H611R, H645R, H670R.
Identifiers: ClinVar variation 2175435 (VCV002175435.5), dbSNP rs766616441, ClinGen allele CA2522272.
Genomic context (GRCh38, chr3:101,765,064, plus strand): 5'-TTGCTTCTGATGTAGCTCCTCAAGAGAAATCATTACCAGAATTTCCAGACTCTGGTTTTC[A>G]TTCCTCTCTAACAGAACAAGTTCATTCATTGCAGCATTCTTTGGATTTTGAGAAAAGTTC-3'
Protein context (NP_078824.2, residues 694-714): SLPEFPDSGF[His704Arg]SSLTEQVHSL